The following is an entry in ClinVar:

NM_001048174.2(MUTYH):c.570C>T (p.Tyr190=)

Gene: MUTYH (mutY DNA glycosylase; minus strand). Cytogenetic location: 1p34.1.
Variant type: single nucleotide variant.
Coding change: c.570C>T on transcript NM_001048174.2 (MANE Select); coding-DNA position 570, C replaced by T.
Protein change: p.Tyr190=; no amino-acid change (tyrosine 190 retained).
Molecular consequence: synonymous variant. On other transcripts: non-coding transcript variant (2).
Genome position (GRCh38, 1-based): chr1:45,332,610, G>A on the plus strand (C>T on the coding strand, the complement: MUTYH is on the minus strand). VCF-style: chr1-45332610-G-A. GRCh37 (hg19) VCF-style: chr1-45798282-G-A.
Other names: c.570C>T, p.Tyr190= (NM_001048171.2, NM_001048173.2, NM_001293195.2); c.573C>T, p.Tyr191= (NM_001048172.2); c.654C>T, p.Tyr218= (NM_001128425.2); c.615C>T, p.Tyr205= (NM_001293190.2); c.603C>T, p.Tyr201= (NM_001293191.2); c.294C>T, p.Tyr98= (NM_001293192.2, NM_001293196.2); c.225C>T, p.Tyr75= (NM_001350650.2, NM_001350651.2); c.645C>T, p.Tyr215= (NM_012222.3).
Identifiers: ClinVar variation 492054 (VCV000492054.13), dbSNP rs778899897, ClinGen allele CA058512.

ClinVar aggregate classification (germline): Conflicting classifications of pathogenicity. Review status: criteria provided, conflicting classifications (1 of 4 stars). 5 submissions from 5 submitters: Uncertain significance (1); Likely benign (4). Last evaluated 2025-07-21.

Conditions:
Hereditary cancer-predisposing syndrome. Also called: Hereditary neoplastic syndrome; Hereditary Cancer Syndrome; Neoplastic Syndromes, Hereditary; Tumor predisposition. Identifiers: Orphanet 140162, MedGen C0027672, MeSH D009386, MONDO:0015356.
Familial adenomatous polyposis 2. Also called: MYH-associated polyposis; COLORECTAL ADENOMATOUS POLYPOSIS, AUTOSOMAL RECESSIVE; ADENOMAS, MULTIPLE COLORECTAL, AUTOSOMAL RECESSIVE; MUTYH-related attenuated familial adenomatous polyposis; Adenomas, multiple colorectal; FAP type 2. Identifiers: Orphanet 220460, Orphanet 247798, MedGen C3272841, MONDO:0012041, OMIM 608456.

Allele frequency attached by ClinVar (database versions not stated): gnomAD exomes below 0.00001 and 0.00001; ExAC 0.00001.
gnomAD v4.1: 3 of 1,614,160 alleles (0.00019%); highest among the groups gnomAD compares: East Asian, 0.0067%; no homozygotes.

Submissions (5):

Labcorp Genetics (formerly Invitae), Labcorp
Classification: Likely benign for Familial adenomatous polyposis 2. Last evaluated: 2025-07-21. Review status: criteria provided, single submitter. Criteria: Invitae Variant Classification Sherloc (09022015). Collection method: clinical testing. Allele origin: germline.

All of Us Research Program, National Institutes of Health
Classification: Likely benign for Familial adenomatous polyposis 2. Last evaluated: 2023-10-23. Review status: criteria provided, single submitter. Criteria: ACMG Guidelines, 2015. Collection method: clinical testing. Allele origin: germline. Inheritance: Autosomal recessive inheritance. Observed: 1 variant allele, 1 heterozygote.
Comment: This study involves interpretation of variants in research participants for the purpose of population health screening. Participant phenotype was not available at the time of variant classification. Additional details can be found in publication PMID: 35346344, PMCID: PMC8962531

Ambry Genetics
Classification: Likely benign for Hereditary cancer-predisposing syndrome. Last evaluated: 2020-03-17. Review status: criteria provided, single submitter. Criteria: Ambry Variant Classification Scheme 2023. Collection method: clinical testing. Allele origin: germline.

Quest Diagnostics Nichols Institute San Juan Capistrano
Classification: Uncertain significance. Last evaluated: 2017-11-09. Review status: criteria provided, single submitter. Criteria: Quest Diagnostics criteria. Collection method: clinical testing. Allele origin: germline.

Color Diagnostics, LLC DBA Color Health
Classification: Likely benign for Hereditary cancer-predisposing syndrome. Last evaluated: 2017-04-24. Review status: criteria provided, single submitter. Criteria: ACMG Guidelines, 2015. Collection method: clinical testing. Allele origin: germline.